The following is an entry in ClinVar:

ClinVar aggregate classification (germline): Pathogenic. Review status: criteria provided, multiple submitters, no conflicts (2 of 4 stars). 2 submissions from 2 submitters: Pathogenic (2). Last evaluated 2022-03-11.

Conditions:
ADNP-related multiple congenital anomalies - intellectual disability - autism spectrum disorder. Also called: ADNP-Related Helsmoortel-Van der Aa Syndrome; Helsmoortel-Van der Aa Syndrome. Identifiers: Orphanet 404448, MedGen C4014538, MONDO:0014379, OMIM 615873. Disease mechanism: loss of function.

Submissions (2):

MVZ Martinsried, Medicover Genetics
Classification: Pathogenic for ADNP-related multiple congenital anomalies - intellectual disability - autism spectrum disorder. Last evaluated: 2022-03-11. Review status: criteria provided, single submitter. Criteria: ACGS Guidelines, 2020. Collection method: clinical testing. Allele origin: de novo. Affected: yes.

GeneDx
Classification: Pathogenic. Last evaluated: 2022-02-15. Review status: criteria provided, single submitter. Criteria: GeneDx Variant Classification Process June 2021. Collection method: clinical testing. Allele origin: germline. Affected: yes.
Comment: Frameshift variant predicted to result in protein truncation, as the last 271 amino acids are replaced with 3 different amino acids, and other loss-of-function variants have been reported downstream in HGMD.; Not observed at significant frequency in large population cohorts (gnomAD); This variant is associated with the following publications: (PMID: 31785789)

NM_001282531.3(ADNP):c.2495_2499del (p.Asn832fs)

Gene: ADNP (activity dependent neuroprotector homeobox; minus strand). Cytogenetic location: 20q13.13.
Variant type: Deletion.
Coding change: c.2495_2499del on transcript NM_001282531.3 (MANE Select); coding-DNA positions 2495 to 2499, 5 bases deleted (ATAAA; older notation c.2495_2499delATAAA).
Protein change: p.Asn832fs; shifts the reading frame from asparagine 832.
Molecular consequence: frameshift variant.
Genome position (GRCh38, 1-based): chr20:50,892,215-50,892,219, TTTAT deleted on the plus strand (ATAAA on the coding strand, the reverse complement: ADNP is on the minus strand); deleting any 5 consecutive bases within chr20:50,892,215-50,892,221 gives the same sequence; the c. name uses the placement nearest the transcript's 3' end. VCF-style (leftmost placement, unchanged base first): chr20-50892214-CTTTAT-C. GRCh37 (hg19) VCF-style: chr20-49508751-CTTTAT-C.
Other names: c.2495_2499del, p.Asn832fs (NM_001282532.2, NM_001347511.2, NM_015339.5 and 1 more transcripts); short protein forms N832fs.
Identifiers: ClinVar variation 1527885 (VCV001527885.3), dbSNP rs2122742586, ClinGen allele CA2573157168.